The following is an entry in ClinVar:

NM_000371.4(TTR):c.113A>G (p.Asp38Gly)

Gene: TTR (transthyretin; plus strand). Cytogenetic location: 18q12.1.
Variant type: single nucleotide variant.
Coding change: c.113A>G on transcript NM_000371.4 (MANE Select); coding-DNA position 113, A replaced by G.
Protein change: p.Asp38Gly; replaces aspartic acid 38 with glycine.
Molecular consequence: missense variant.
Genome position (GRCh38, 1-based): chr18:31,592,939, A>G. VCF-style: chr18-31592939-A-G. GRCh37 (hg19) VCF-style: chr18-29172902-A-G.
Other names: D18G; short protein forms D38G.
Identifiers: ClinVar variation 13463 (VCV000013463.12), dbSNP rs121918098, ClinGen allele CA123114.

ClinVar aggregate classification (germline): Pathogenic. Review status: criteria provided, multiple submitters, no conflicts (2 of 4 stars). 3 submissions from 3 submitters: Pathogenic (2). 1 of the submissions does not count toward it. Last evaluated 2021-05-25.

Conditions:
Amyloidosis, hereditary systemic 1 (AMYLD1). Also called: Transthyretin Amyloidosis; Hereditary Transthyretin Amyloidosis; Isolated Cardiac Amyloidosis; Amyloid Cardiomyopathy, Transthyretin-related; Familial amyloid polyneuropathy; Hereditary oculoleptomeningeal amyloid angiopathy. Identifiers: Orphanet 85447, Orphanet 85451, MedGen C2751492, MONDO:0971004, OMIM 105210.

Submissions (3):

Labcorp Genetics (formerly Invitae), Labcorp
Classification: Pathogenic for Amyloidosis, hereditary systemic 1. Last evaluated: 2021-05-25. Review status: criteria provided, single submitter. Criteria: Invitae Variant Classification Sherloc (09022015). Collection method: clinical testing. Allele origin: germline.
Comment: This variant has been observed in individual(s) with hereditary transthyretin-mediated amyloidosis (hATTR amyloidosis) (PMID: 8579098, 20209591). It has also been observed to segregate with disease in related individuals. This variant is also known as D18G. ClinVar contains an entry for this variant (Variation ID: 13463). For these reasons, this variant has been classified as Pathogenic. This variant disrupts the p.Asp38 amino acid residue in TTR. Other variant(s) that disrupt this residue have been determined to be pathogenic (PMID: 23126592, Invitae). This suggests that this residue is clinically significant, and that variants that disrupt this residue are likely to be disease-causing. Algorithms developed to predict the effect of sequence changes on RNA splicing suggest that this variant may create or strengthen a splice site, but this prediction has not been confirmed by published transcriptional studies. Advanced modeling of protein sequence and biophysical properties (such as structural, functional, and spatial information, amino acid conservation, physicochemical variation, residue mobility, and thermodynamic stability) performed at Invitae indicates that this missense variant is expected to disrupt TTR protein function. This variant is not present in population databases (ExAC no frequency). This sequence change replaces aspartic acid with glycine at codon 38 of the TTR protein (p.Asp38Gly). The aspartic acid residue is highly conserved and there is a moderate physicochemical difference between aspartic acid and glycine.

Laboratory for Molecular Medicine, Mass General Brigham Personalized Medicine
Classification: Pathogenic for ATTRV30M amyloidosis. Last evaluated: 2012-03-01. Review status: criteria provided, single submitter. Criteria: LMM Criteria. Collection method: clinical testing. Allele origin: germline. Observed: 1 variant allele.
Comment: The Asp38Gly variant (TTR) has been identified in 4 individuals with leptomening eal/CNS-related TTR amyloidosis, including one individual with restrictive cardi omyopathy (note, the variant is also referred to as Asp18Gly; Vidal 1996, Jin 20 04, Barreiros 2010). In addition, this variant segregates with disease in 4 affe cted family members, including one obligate carrier, and was absent from 80 cont rol chromosomes (Vidal 1996, Jin 2004). Furthermore, functional analyses showed the Asp38Gly variant results in an abnormal protein that is highly destabilized, has diminished secretion, and has abnormal cellular localization (Hammarstrom 2 003, Sekijima 2005). In summary, the Asp38Gly variant is highly likely to be pat hogenic based upon correlation with clinical phenotype, segregation with disease , and functional studies.

OMIM
Classification: Pathogenic for AMYLOIDOSIS, HEREDITARY SYSTEMIC 1. Last evaluated: 1996-12-01. Review status: no assertion criteria provided. Collection method: literature only. Allele origin: germline. Not counted in ClinVar's aggregate classification.

Literature cited by the submitters: PubMed 8579098 (cited by 3 submitters); PubMed 20209591 (cited by Labcorp Genetics (formerly Invitae), Labcorp and Laboratory for Molecular Medicine, Mass General Brigham Personalized Medicine); PubMed 23126592 (cited by Labcorp Genetics (formerly Invitae), Labcorp); PubMed 14640030 (cited by Laboratory for Molecular Medicine, Mass General Brigham Personalized Medicine); PubMed 11385707 (cited by Laboratory for Molecular Medicine, Mass General Brigham Personalized Medicine); PubMed 8960746 (cited by Laboratory for Molecular Medicine, Mass General Brigham Personalized Medicine and OMIM); PubMed 15377697 (cited by Laboratory for Molecular Medicine, Mass General Brigham Personalized Medicine); PubMed 12779320 (cited by Laboratory for Molecular Medicine, Mass General Brigham Personalized Medicine).